The following is an entry in ClinVar:

NM_000136.3(FANCC):c.437A>C (p.Tyr146Ser)

Gene: FANCC (FA complementation group C; minus strand). Cytogenetic location: 9q22.32.
Variant type: single nucleotide variant.
Coding change: c.437A>C on transcript NM_000136.3 (MANE Select); coding-DNA position 437, A replaced by C.
Protein change: p.Tyr146Ser; replaces tyrosine 146 with serine.
Molecular consequence: missense variant.
Genome position (GRCh38, 1-based): chr9:95,172,056, T>G on the plus strand (A>C on the coding strand, the complement: FANCC is on the minus strand). VCF-style: chr9-95172056-T-G. GRCh37 (hg19) VCF-style: chr9-97934338-T-G.
Other names: c.437A>C, p.Tyr146Ser (NM_001243743.2, NM_001243744.2); short protein forms Y146S.
Identifiers: ClinVar variation 568009 (VCV000568009.12), dbSNP rs1564720359, ClinGen allele CA374338733.

ClinVar aggregate classification (germline): Uncertain significance. Review status: criteria provided, multiple submitters, no conflicts (2 of 4 stars). 2 submissions from 2 submitters: Uncertain significance (2). Last evaluated 2025-05-02.

Conditions:
Hereditary cancer-predisposing syndrome. Also called: Neoplastic Syndromes, Hereditary; Tumor predisposition; Hereditary neoplastic syndrome; Hereditary Cancer Syndrome. Identifiers: Orphanet 140162, MedGen C0027672, MeSH D009386, MONDO:0015356.
Fanconi anemia (FA). Also called: Fanconi's anemia. Identifiers: Orphanet 84, MedGen C0015625, MeSH D005199, MONDO:0019391.

Allele frequency attached by ClinVar (database versions not stated): gnomAD exomes below 0.00001.
gnomAD v4.1: 1 of 1,607,680 alleles (0.000062%); highest among the groups gnomAD compares: Non-Finnish European, 0.000085%; no homozygotes.

Submissions (2):

Ambry Genetics
Classification: Uncertain significance for Hereditary cancer-predisposing syndrome. Last evaluated: 2025-05-02. Review status: criteria provided, single submitter. Criteria: Ambry Variant Classification Scheme 2023. Collection method: clinical testing. Allele origin: germline.
Comment: The p.Y146S variant (also known as c.437A>C), located in coding exon 4 of the FANCC gene, results from an A to C substitution at nucleotide position 437. The tyrosine at codon 146 is replaced by serine, an amino acid with dissimilar properties. This amino acid position is not well conserved in available vertebrate species. In addition, this alteration is predicted to be tolerated by in silico analysis. Since supporting evidence is limited at this time, the clinical significance of this alteration remains unclear.

Labcorp Genetics (formerly Invitae), Labcorp
Classification: Uncertain significance for Fanconi anemia. Last evaluated: 2024-04-25. Review status: criteria provided, single submitter. Criteria: Invitae Variant Classification Sherloc (09022015). Collection method: clinical testing. Allele origin: germline.
Comment: This sequence change replaces tyrosine, which is neutral and polar, with serine, which is neutral and polar, at codon 146 of the FANCC protein (p.Tyr146Ser). This variant is not present in population databases (gnomAD no frequency). This variant has not been reported in the literature in individuals affected with FANCC-related conditions. ClinVar contains an entry for this variant (Variation ID: 568009). Advanced modeling of protein sequence and biophysical properties (such as structural, functional, and spatial information, amino acid conservation, physicochemical variation, residue mobility, and thermodynamic stability) performed at Invitae indicates that this missense variant is not expected to disrupt FANCC protein function with a negative predictive value of 80%. In summary, the available evidence is currently insufficient to determine the role of this variant in disease. Therefore, it has been classified as a Variant of Uncertain Significance.